The following is an entry in ClinVar:

NM_004973.4(JARID2):c.343A>G (p.Arg115Gly)

Gene: JARID2 (jumonji and AT-rich interaction domain containing 2; plus strand). Cytogenetic location: 6p22.3.
Variant type: single nucleotide variant.
Coding change: c.343A>G on transcript NM_004973.4 (MANE Select); coding-DNA position 343, A replaced by G.
Protein change: p.Arg115Gly; replaces arginine 115 with glycine.
Molecular consequence: missense variant. On other transcripts: 5 prime UTR variant (1).
Genome position (GRCh38, 1-based): chr6:15,452,025, A>G. VCF-style: chr6-15452025-A-G. GRCh37 (hg19) VCF-style: chr6-15452256-A-G.
Other names: c.-174A>G (NM_001267040.1); short protein forms R115G.
Identifiers: ClinVar variation 3373495 (VCV003373495.1).

ClinVar aggregate classification (germline): Uncertain significance (1 of 4 stars; one submission).

Submission:

GeneDx
Classification: Uncertain significance. Last evaluated: 2024-02-28. Review status: criteria provided, single submitter. Criteria: GeneDx Variant Classification Process June 2021. Collection method: clinical testing. Allele origin: germline. Affected: yes.
Comment: Not observed at significant frequency in large population cohorts (gnomAD); In silico analysis supports that this missense variant does not alter protein structure/function; Has not been previously published as pathogenic or benign to our knowledge